The following is an entry in ClinVar:

ClinVar aggregate classification (germline): Conflicting classifications of pathogenicity. Review status: criteria provided, conflicting classifications (1 of 4 stars). 2 submissions from 2 submitters: Uncertain significance (1); Likely benign (1). Last evaluated 2024-12-26.

Conditions:
TRIO-related disorder. Also called: TRIO-related condition; TRIO-related disorders.
Inborn genetic diseases. Identifiers: MedGen C0950123, MeSH D030342.

gnomAD v4.1: 140 of 1,614,068 alleles (0.0087%); highest among the groups gnomAD compares: African/African-American, 0.012%; no homozygotes.

Submissions (2):

PreventionGenetics, part of Exact Sciences
Classification: Uncertain significance for TRIO-related condition. Last evaluated: 2024-12-26. Review status: criteria provided, single submitter. Criteria: ACMG Guidelines, 2015. Collection method: clinical testing. Allele origin: germline.
Comment: The TRIO c.8062G>A variant is predicted to result in the amino acid substitution p.Val2688Ile. To our knowledge, this variant has not been reported in the literature. This variant is reported in 0.012% of alleles in individuals of African descent in gnomAD. Although we suspect that this variant may be benign, at this time, the clinical significance of this variant is uncertain due to the absence of conclusive functional and genetic evidence.

Ambry Genetics
Classification: Likely benign for Inborn genetic diseases. Last evaluated: 2024-12-25. Review status: criteria provided, single submitter. Criteria: Ambry Variant Classification Scheme 2023. Collection method: clinical testing. Allele origin: germline.

NM_007118.4(TRIO):c.8062G>A (p.Val2688Ile)

Genes: TRIO (trio Rho guanine nucleotide exchange factor; plus strand), LOC126807323 (CDK7 strongly-dependent group 2 enhancer GRCh37_chr5:14497716-14498915; plus strand). Cytogenetic location: 5p15.2.
Variant type: single nucleotide variant.
Coding change: c.8062G>A on transcript NM_007118.4 (MANE Select); coding-DNA position 8062, G replaced by A.
Protein change: p.Val2688Ile; replaces valine 2688 with isoleucine.
Molecular consequence: missense variant. On other transcripts: non-coding transcript variant (1).
Genome position (GRCh38, 1-based): chr5:14,498,103, G>A. VCF-style: chr5-14498103-G-A. GRCh37 (hg19) VCF-style: chr5-14498212-G-A.
Other names: c.8062G>A (NM_007118.3); short protein forms V2688I.
Identifiers: ClinVar variation 3810720 (VCV003810720.2).
Genomic context (GRCh38, chr5:14,498,103, plus strand): 5'-GAGGAGCCAGGGCTGATGGGCCTTTACCGACTCCTTTCCCATGCAGTTCCCCCAGAATTC[G>A]TCATTCCATTGAGTGAGGTCACGTGTGAGACAGGGGAGACCGTTGTTCTTAGATGTCGAG-3'
Protein context (NP_009049.2, residues 2678-2698): NYIYDVPPEF[Val2688Ile]IPLSEVTCET